The following is an entry in ClinVar:

ClinVar aggregate classification (germline): Uncertain significance (1 of 4 stars; one submission).

Submission:

Labcorp Genetics (formerly Invitae), Labcorp
Classification: Uncertain significance. Last evaluated: 2024-05-30. Review status: criteria provided, single submitter. Criteria: Invitae Variant Classification Sherloc (09022015). Collection method: clinical testing. Allele origin: germline.
Comment: This sequence change replaces methionine, which is neutral and non-polar, with isoleucine, which is neutral and non-polar, at codon 1229 of the ASXL3 protein (p.Met1229Ile). This variant is not present in population databases (gnomAD no frequency). This variant has not been reported in the literature in individuals affected with ASXL3-related conditions. Advanced modeling of protein sequence and biophysical properties (such as structural, functional, and spatial information, amino acid conservation, physicochemical variation, residue mobility, and thermodynamic stability) performed at Invitae indicates that this missense variant is not expected to disrupt ASXL3 protein function with a negative predictive value of 80%. In summary, the available evidence is currently insufficient to determine the role of this variant in disease. Therefore, it has been classified as a Variant of Uncertain Significance.

NM_030632.3(ASXL3):c.3687G>C (p.Met1229Ile)

Gene: ASXL3 (ASXL transcriptional regulator 3; plus strand). Cytogenetic location: 18q12.1.
Variant type: single nucleotide variant.
Coding change: c.3687G>C on transcript NM_030632.3 (MANE Select); coding-DNA position 3687, G replaced by C.
Protein change: p.Met1229Ile; replaces methionine 1229 with isoleucine.
Molecular consequence: missense variant.
Genome position (GRCh38, 1-based): chr18:33,743,535, G>C. VCF-style: chr18-33743535-G-C. GRCh37 (hg19) VCF-style: chr18-31323499-G-C.
Other names: short protein forms M1229I.
Identifiers: ClinVar variation 3655080 (VCV003655080.2).
Genomic context (GRCh38, chr18:33,743,535, plus strand): 5'-GTCACATTTATCTGAGAAAATTGTTTCATCTACCTCTTCTGAAAATAGCAGTGTGCCCAT[G>C]CTTTTTAATAAAAATTCTGTCCCTGTATCTGTTTGCAGCACTGCTATATCGGGAGCAATT-3'
Protein context (NP_085135.1, residues 1219-1239): STSSENSSVP[Met1229Ile]LFNKNSVPVS